The following is an entry in ClinVar:

NM_001365999.1(SZT2):c.5866G>A (p.Val1956Met)

Gene: SZT2 (SZT2 subunit of KICSTOR complex; plus strand). Cytogenetic location: 1p34.2.
Variant type: single nucleotide variant.
Coding change: c.5866G>A on transcript NM_001365999.1 (MANE Select); coding-DNA position 5866, G replaced by A.
Protein change: p.Val1956Met; replaces valine 1956 with methionine.
Molecular consequence: missense variant.
Genome position (GRCh38, 1-based): chr1:43,434,447, G>A. VCF-style: chr1-43434447-G-A. GRCh37 (hg19) VCF-style: chr1-43900118-G-A.
Other names: c.5695G>A, p.Val1899Met (NM_015284.4); short protein forms V1956M, V1899M.
Identifiers: ClinVar variation 1475184 (VCV001475184.6), dbSNP rs1654252650, ClinGen allele CA340027272.

ClinVar aggregate classification (germline): Uncertain significance (1 of 4 stars; one submission).

Allele frequency attached by ClinVar (database versions not stated): gnomAD exomes below 0.00001.
gnomAD v4.1: 1 of 1,598,606 alleles (0.000063%); highest among the groups gnomAD compares: South Asian, 0.0011%; no homozygotes.

Submission:

Labcorp Genetics (formerly Invitae), Labcorp
Classification: Uncertain significance. Last evaluated: 2021-09-15. Review status: criteria provided, single submitter. Criteria: Invitae Variant Classification Sherloc (09022015). Collection method: clinical testing. Allele origin: germline.
Comment: In summary, the available evidence is currently insufficient to determine the role of this variant in disease. Therefore, it has been classified as a Variant of Uncertain Significance. Algorithms developed to predict the effect of missense changes on protein structure and function are either unavailable or do not agree on the potential impact of this missense change (SIFT: "Deleterious"; PolyPhen-2: "Possibly Damaging"; Align-GVGD: "Class C0"). This variant has not been reported in the literature in individuals affected with SZT2-related conditions. This variant is not present in population databases (ExAC no frequency). This sequence change replaces valine with methionine at codon 1899 of the SZT2 protein (p.Val1899Met). The valine residue is highly conserved and there is a small physicochemical difference between valine and methionine.